The following is an entry in ClinVar:

NM_020778.5(ALPK3):c.329G>A (p.Trp110Ter)

Gene: ALPK3 (alpha kinase 3; plus strand). Cytogenetic location: 15q25.3.
Variant type: single nucleotide variant.
Coding change: c.329G>A on transcript NM_020778.5 (MANE Select); coding-DNA position 329, G replaced by A.
Protein change: p.Trp110Ter; replaces tryptophan 110 with a stop codon.
Molecular consequence: nonsense.
Genome position (GRCh38, 1-based): chr15:84,839,004, G>A. VCF-style: chr15-84839004-G-A. GRCh37 (hg19) VCF-style: chr15-85382235-G-A.
Other names: short protein forms W110*.
Identifiers: ClinVar variation 3658604 (VCV003658604.2).

ClinVar aggregate classification (germline): Pathogenic (1 of 4 stars; one submission).

Submission:

Labcorp Genetics (formerly Invitae), Labcorp
Classification: Pathogenic. Last evaluated: 2024-09-02. Review status: criteria provided, single submitter. Criteria: Invitae Variant Classification Sherloc (09022015). Collection method: clinical testing. Allele origin: germline.
Comment: This sequence change creates a premature translational stop signal (p.Trp312*) in the ALPK3 gene. It is expected to result in an absent or disrupted protein product. Loss-of-function variants in ALPK3 are known to be pathogenic (PMID: 21441111, 26846950, 27106955, 34263907). This variant is not present in population databases (gnomAD no frequency). This variant has not been reported in the literature in individuals affected with ALPK3-related conditions. For these reasons, this variant has been classified as Pathogenic.

Literature cited by the submitters: PubMed 21441111; PubMed 26846950; PubMed 27106955; PubMed 34263907.